The following is an entry in ClinVar:

NM_000465.4(BARD1):c.518C>G (p.Ala173Gly)

Gene: BARD1 (BRCA1 associated RING domain 1; minus strand). Cytogenetic location: 2q35.
Variant type: single nucleotide variant.
Coding change: c.518C>G on transcript NM_000465.4 (MANE Select); coding-DNA position 518, C replaced by G.
Protein change: p.Ala173Gly; replaces alanine 173 with glycine.
Molecular consequence: missense variant. On other transcripts: non-coding transcript variant (2), intron variant (3).
Genome position (GRCh38, 1-based): chr2:214,781,356, G>C on the plus strand (C>G on the coding strand, the complement: BARD1 is on the minus strand). VCF-style: chr2-214781356-G-C. GRCh37 (hg19) VCF-style: chr2-215646080-G-C.
Other names: c.518C>G (NM_000465.2); c.461C>G, p.Ala154Gly (NM_001282543.2); c.158+28056C>G (NM_001282548.2); c.215+15705C>G (NM_001282545.2); c.364+10941C>G (NM_001282549.2); short protein forms A154G, A173G.
Identifiers: ClinVar variation 926284 (VCV000926284.18), dbSNP rs1316339721, ClinGen allele CA350457479.

ClinVar aggregate classification (germline): Uncertain significance. Review status: criteria provided, multiple submitters, no conflicts (2 of 4 stars). 4 submissions from 4 submitters: Uncertain significance (4). Last evaluated 2025-12-08.

Conditions:
Familial cancer of breast. Also called: BREAST CANCER, FAMILIAL; Hereditary breast cancer; hereditary breast carcinoma. Identifiers: Orphanet 227535, MedGen C0346153, MONDO:0016419, OMIM 114480. Disease mechanism: loss of function.
Hereditary cancer-predisposing syndrome. Also called: Neoplastic Syndromes, Hereditary; Tumor predisposition; Hereditary Cancer Syndrome; Hereditary neoplastic syndrome. Identifiers: Orphanet 140162, MedGen C0027672, MeSH D009386, MONDO:0015356.

Submissions (4):

Ambry Genetics
Classification: Uncertain significance for Hereditary cancer-predisposing syndrome. Last evaluated: 2025-12-08. Review status: criteria provided, single submitter. Criteria: Ambry Variant Classification Scheme 2023. Collection method: clinical testing. Allele origin: germline.

Labcorp Genetics (formerly Invitae), Labcorp
Classification: Uncertain significance for Familial cancer of breast. Last evaluated: 2024-07-19. Review status: criteria provided, single submitter. Criteria: Invitae Variant Classification Sherloc (09022015). Collection method: clinical testing. Allele origin: germline.
Comment: This sequence change replaces alanine, which is neutral and non-polar, with glycine, which is neutral and non-polar, at codon 173 of the BARD1 protein (p.Ala173Gly). This variant is not present in population databases (gnomAD no frequency). This variant has not been reported in the literature in individuals affected with BARD1-related conditions. ClinVar contains an entry for this variant (Variation ID: 926284). An algorithm developed to predict the effect of missense changes on protein structure and function outputs the following: PolyPhen-2: "Benign". The glycine amino acid residue is found in multiple mammalian species, which suggests that this missense change does not adversely affect protein function. In summary, the available evidence is currently insufficient to determine the role of this variant in disease. Therefore, it has been classified as a Variant of Uncertain Significance.

Color Diagnostics, LLC DBA Color Health
Classification: Uncertain significance for Hereditary cancer-predisposing syndrome. Last evaluated: 2022-02-02. Review status: criteria provided, single submitter. Criteria: ACMG Guidelines, 2015. Collection method: clinical testing. Allele origin: germline.
Comment: This missense variant replaces alanine with glycine at codon 173 of the BARD1 protein. Computational prediction suggests that this variant may not impact protein structure and function (internally defined REVEL score threshold <= 0.5, PMID: 27666373). To our knowledge, functional studies have not been reported for this variant. This variant has not been reported in individuals affected with hereditary cancer in the literature. This variant has not been identified in the general population by the Genome Aggregation Database (gnomAD). The available evidence is insufficient to determine the role of this variant in disease conclusively. Therefore, this variant is classified as a Variant of Uncertain Significance.

GeneDx
Classification: Uncertain significance. Last evaluated: 2021-01-28. Review status: criteria provided, single submitter. Criteria: GeneDx Variant Classification Process June 2021. Collection method: clinical testing. Allele origin: germline. Affected: yes.
Comment: Not observed in large population cohorts (Lek et al., 2016); In silico analysis supports that this missense variant does not alter protein structure/function; This variant is associated with the following publications: (PMID: 32980694)